The following is an entry in ClinVar:

ClinVar aggregate classification (germline): Uncertain significance (1 of 4 stars; one submission).

Conditions:
Charcot-Marie-Tooth disease type 2. Also called: Charcot-Marie-Tooth type 2. Identifiers: Orphanet 64746, MedGen C0270914, MONDO:0018993.

Allele frequency attached by ClinVar (database versions not stated): TOPMed below 0.00001.

Submission:

Labcorp Genetics (formerly Invitae), Labcorp
Classification: Uncertain significance for Charcot-Marie-Tooth disease type 2. Last evaluated: 2023-08-17. Review status: criteria provided, single submitter. Criteria: Invitae Variant Classification Sherloc (09022015). Collection method: clinical testing. Allele origin: germline.
Comment: In summary, the available evidence is currently insufficient to determine the role of this variant in disease. Therefore, it has been classified as a Variant of Uncertain Significance. Advanced modeling of protein sequence and biophysical properties (such as structural, functional, and spatial information, amino acid conservation, physicochemical variation, residue mobility, and thermodynamic stability) performed at Invitae indicates that this missense variant is not expected to disrupt AARS protein function. ClinVar contains an entry for this variant (Variation ID: 1973359). This variant has not been reported in the literature in individuals affected with AARS-related conditions. This variant is not present in population databases (gnomAD no frequency). This sequence change replaces methionine, which is neutral and non-polar, with valine, which is neutral and non-polar, at codon 826 of the AARS protein (p.Met826Val).

NM_001605.3(AARS1):c.2476A>G (p.Met826Val)

Gene: AARS1 (alanyl-tRNA synthetase 1; minus strand). Cytogenetic location: 16q22.1.
Variant type: single nucleotide variant.
Coding change: c.2476A>G on transcript NM_001605.3 (MANE Select); coding-DNA position 2476, A replaced by G.
Protein change: p.Met826Val; replaces methionine 826 with valine.
Molecular consequence: missense variant.
Genome position (GRCh38, 1-based): chr16:70,253,963, T>C on the plus strand (A>G on the coding strand, the complement: AARS1 is on the minus strand). VCF-style: chr16-70253963-T-C. GRCh37 (hg19) VCF-style: chr16-70287866-T-C.
Other names: short protein forms M826V.
Identifiers: ClinVar variation 1973359 (VCV001973359.5), dbSNP rs766651955, ClinGen allele CA396555304.